The following is an entry in ClinVar:

ClinVar aggregate classification (germline): Likely benign. Review status: criteria provided, multiple submitters, no conflicts (2 of 4 stars). 3 submissions from 3 submitters: Likely benign (3). Last evaluated 2025-05-17.

Conditions:
FG syndrome (FGS). Identifiers: MedGen C0220769, MONDO:0002010.
Familial thoracic aortic aneurysm and aortic dissection (TAAD). Also called: Thoracic aortic aneurysms and dissections. Identifiers: Orphanet 91387, MedGen C4707243, MONDO:0019625.

Allele frequency attached by ClinVar (database versions not stated): gnomAD exomes below 0.00001.
gnomAD v4.1: 1 of 1,210,497 alleles (0.000083%); highest among the groups gnomAD compares: Non-Finnish European, 0.00011%; no homozygotes.

Submissions (3):

Ambry Genetics
Classification: Likely benign for Familial thoracic aortic aneurysm and aortic dissection. Last evaluated: 2025-05-17. Review status: criteria provided, single submitter. Criteria: Ambry Variant Classification Scheme 2023. Collection method: clinical testing. Allele origin: germline.

Labcorp Genetics (formerly Invitae), Labcorp
Classification: Likely benign for FG syndrome. Last evaluated: 2023-11-27. Review status: criteria provided, single submitter. Criteria: Invitae Variant Classification Sherloc (09022015). Collection method: clinical testing. Allele origin: germline.

GeneDx
Classification: Likely benign. Last evaluated: 2017-09-19. Review status: criteria provided, single submitter. Criteria: GeneDx Variant Classification (06012015). Collection method: clinical testing. Allele origin: germline. Affected: yes.
Comment: This variant is considered likely benign or benign based on one or more of the following criteria: it is a conservative change, it occurs at a poorly conserved position in the protein, it is predicted to be benign by multiple in silico algorithms, and/or has population frequency not consistent with disease.

NM_005120.3(MED12):c.3412C>A (p.Arg1138=)

Gene: MED12 (mediator complex subunit 12; plus strand). Cytogenetic location: Xq13.1.
Variant type: single nucleotide variant.
Coding change: c.3412C>A on transcript NM_005120.3 (MANE Select); coding-DNA position 3412, C replaced by A.
Protein change: p.Arg1138=; no amino-acid change (arginine 1138 retained).
Molecular consequence: synonymous variant.
Genome position (GRCh38, 1-based): chrX:71,128,655, C>A. VCF-style: chrX-71128655-C-A. GRCh37 (hg19) VCF-style: chrX-70348505-C-A.
Identifiers: ClinVar variation 390862 (VCV000390862.8), dbSNP rs1057523906, ClinGen allele CA16608984.